The following is an entry in ClinVar:

ClinVar aggregate classification (germline): Benign (3 of 4 stars; one submission).

Conditions:
Breast-ovarian cancer, familial, susceptibility to, 2 (BROVCA2). Also called: BRCA2 Hereditary Breast and Ovarian Cancer. Identifiers: Orphanet 145, MedGen C2675520, MONDO:0012933, OMIM 612555. Disease mechanism: loss of function.

Allele frequency attached by ClinVar (database versions not stated): gnomAD 0.00930 and 0.00859; 1000 Genomes Project 30x 0.00937; TOPMed 0.00940; 1000 Genomes Project 0.00919.
gnomAD v4.1: 1,296 of 152,216 alleles (0.85%); highest among the groups gnomAD compares: African/African-American, 3%; 24 homozygotes.

Submission:

Evidence-based Network for the Interpretation of Germline Mutant Alleles (ENIGMA)
Classification: Benign for Breast-ovarian cancer, familial 2. Last evaluated: 2015-01-12. Review status: reviewed by expert panel. Criteria: ENIGMA BRCA1/2 Classification Criteria (2015). Collection method: curation. Allele origin: germline.
Comment: Class 1 not pathogenic based on frequency >1% in an outbred sampleset. Frequency 0.03252 (African), derived from 1000 genomes (2012-04-30).

NM_000059.4(BRCA2):c.7008-2337C>T

Gene: BRCA2 (BRCA2 DNA repair associated; plus strand). Cytogenetic location: 13q13.1.
Variant type: single nucleotide variant.
Coding change: c.7008-2337C>T on transcript NM_000059.4 (MANE Select); 2337 bases into the intron before coding-DNA position 7008, C replaced by T.
Molecular consequence: intron variant.
Genome position (GRCh38, 1-based): chr13:32,352,524, C>T. VCF-style: chr13-32352524-C-T. GRCh37 (hg19) VCF-style: chr13-32926661-C-T.
Other names: IVS 13-2337C>T.
Identifiers: ClinVar variation 209745 (VCV000209745.1), dbSNP rs55896130, ClinGen allele CA276713.
Genomic context (GRCh38, chr13:32,352,524, plus strand): 5'-TGTAATATAAATTCTAGAATAGATGTAAAAAGTGATCTAAGAACATAGAAAAATTATCAG[C>T]TAATCACATGACTGCTCAATGGGAAAAGTACTTCAGACAGAATGTAAAGAATGCTTGGTT-3'